The following is an entry in ClinVar:

ClinVar aggregate classification (germline): Benign/Likely benign. Review status: criteria provided, multiple submitters, no conflicts (2 of 4 stars). 3 submissions from 3 submitters: Benign (1); Likely benign (2). Last evaluated 2025-08-01.

Conditions:
Developmental and epileptic encephalopathy, 79. Also called: EPILEPTIC ENCEPHALOPATHY, EARLY INFANTILE, 79. Identifiers: MedGen C5231410, MONDO:0032813, OMIM 618559.

Allele frequency attached by ClinVar (database versions not stated): gnomAD exomes 0.00033 and 0.00090; ExAC 0.00119; gnomAD 0.00342 and 0.00364; ESP Exome Variant Server 0.00366; TOPMed 0.00386; 1000 Genomes Project 30x 0.00547; 1000 Genomes Project 0.00579.
gnomAD v4.1: 1,028 of 1,613,882 alleles (0.064%); highest among the groups gnomAD compares: African/African-American, 1.2%; 10 homozygotes.

Submissions (3):

CeGaT Center for Human Genetics Tuebingen
Classification: Likely benign. Last evaluated: 2025-08-01. Review status: criteria provided, single submitter. Criteria: CeGaT Center For Human Genetics Tuebingen Variant Classification Criteria Version 2. Collection method: clinical testing. Allele origin: germline. Affected: yes. Observed: 2 variant alleles.
Comment: GABRA5: BP4, BP7, BS1

Fulgent Genetics
Classification: Likely benign for Developmental and epileptic encephalopathy, 79. Last evaluated: 2022-05-17. Review status: criteria provided, single submitter. Criteria: ACMG Guidelines, 2015. Collection method: clinical testing. Allele origin: unknown.

Labcorp Genetics (formerly Invitae), Labcorp
Classification: Benign. Last evaluated: 2018-05-23. Review status: criteria provided, single submitter. Criteria: Invitae Variant Classification Sherloc (09022015). Collection method: clinical testing. Allele origin: germline.

NM_000810.4(GABRA5):c.585G>A (p.Ala195=)

Gene: GABRA5 (gamma-aminobutyric acid type A receptor subunit alpha5; plus strand). Cytogenetic location: 15q12.
Variant type: single nucleotide variant.
Coding change: c.585G>A on transcript NM_000810.4 (MANE Select); coding-DNA position 585, G replaced by A.
Protein change: p.Ala195=; no amino-acid change (alanine 195 retained).
Molecular consequence: synonymous variant.
Genome position (GRCh38, 1-based): chr15:26,937,189, G>A. VCF-style: chr15-26937189-G-A. GRCh37 (hg19) VCF-style: chr15-27182336-G-A.
Other names: c.585G>A, p.Ala195= (NM_001165037.2).
Identifiers: ClinVar variation 734852 (VCV000734852.26), dbSNP rs149156018, ClinGen allele CA7437852.
Genomic context (GRCh38, chr15:26,937,189, plus strand): 5'-TTCCAGGCTGGGAATGATTTCATGTTTATGTCACTTTCTGCCCCCTCCTCATACAGATGC[G>A]TACCCTAATTCTGAAGTCGTTTACGTCTGGACCAACGGCTCCACCAAGTCGGTGGTGGTG-3'
Protein context (NP_000801.1, residues 185-205): HACPLKFGSY[Ala195=]YPNSEVVYVW